The following is an entry in ClinVar:

ClinVar aggregate classification (germline): Conflicting classifications of pathogenicity. Review status: criteria provided, conflicting classifications (1 of 4 stars). 4 submissions from 4 submitters: Uncertain significance (3); Likely benign (1). Last evaluated 2021-11-17.

Conditions:
Lynch syndrome 5 (LYNCH5). Also called: Colorectal cancer, hereditary nonpolyposis, type 5; Hereditary non-polyposis colorectal cancer, type 5. Identifiers: Orphanet 144, MedGen C1833477, MONDO:0013710, OMIM 614350. Disease mechanism: loss of function.
Hereditary cancer-predisposing syndrome. Also called: Neoplastic Syndromes, Hereditary; Tumor predisposition; Hereditary neoplastic syndrome; Hereditary Cancer Syndrome. Identifiers: Orphanet 140162, MedGen C0027672, MeSH D009386, MONDO:0015356.
Hereditary nonpolyposis colorectal neoplasms. Identifiers: MedGen C0009405, MeSH D003123.

Allele frequency attached by ClinVar (database versions not stated): gnomAD exomes below 0.00001; TOPMed below 0.00001.
gnomAD v4.1: 1 of 1,613,982 alleles (0.000062%); highest among the groups gnomAD compares: African/African-American, 0.0013%; no homozygotes.

Submissions (4):

St. Jude Molecular Pathology, St. Jude Children's Research Hospital
Classification: Uncertain significance for Lynch syndrome 5. Last evaluated: 2021-11-17. Review status: criteria provided, single submitter. Criteria: St. Jude Assertion Criteria 2020. Collection method: clinical testing. Allele origin: germline.
Comment: The MSH6 c.261-6C>G intronic change results from a C to G substitution at the -6 position of intron 1 of the MSH6 gene. This variant is not predicted to affect the native splice acceptor site (BP4), but to our knowledge these predictions have not been confirmed by functional assays. This variant is absent in gnomAD v2.1.1 (PM2_supporting). To our knowledge, this variant has not been reported in individuals with Lynch syndrome or constitutional mismatch repair deficiency syndrome. In summary, this variant meets criteria to be classified as of uncertain significance based on the ACMG/AMP criteria: PM2_supporting, BP4.

Labcorp Genetics (formerly Invitae), Labcorp
Classification: Likely benign for Hereditary nonpolyposis colorectal neoplasms. Last evaluated: 2021-08-09. Review status: criteria provided, single submitter. Criteria: Invitae Variant Classification Sherloc (09022015). Collection method: clinical testing. Allele origin: germline.

Color Diagnostics, LLC DBA Color Health
Classification: Uncertain significance for Hereditary cancer-predisposing syndrome. Last evaluated: 2018-11-19. Review status: criteria provided, single submitter. Criteria: ACMG Guidelines, 2015. Collection method: clinical testing. Allele origin: germline.

Ambry Genetics
Classification: Uncertain significance for Hereditary cancer-predisposing syndrome. Last evaluated: 2016-12-07. Review status: criteria provided, single submitter. Criteria: Ambry Variant Classification Scheme 2023. Collection method: clinical testing. Allele origin: germline.
Comment: The c.261-6C>G intronic alteration consists of a C to G substitution 6 nucleotides before coding exon 2 in the MSH6 gene. Based on insufficient or conflicting evidence, the clinical significance of this alteration remains unclear.

NM_000179.3(MSH6):c.261-6C>G

Gene: MSH6 (mutS homolog 6; plus strand). Cytogenetic location: 2p16.3.
Variant type: single nucleotide variant.
Coding change: c.261-6C>G on transcript NM_000179.3 (MANE Select); 6 bases into the intron before coding-DNA position 261, C replaced by G.
Molecular consequence: intron variant.
Genome position (GRCh38, 1-based): chr2:47,790,921, C>G. VCF-style: chr2-47790921-C-G. GRCh37 (hg19) VCF-style: chr2-48018060-C-G.
Other names: c.-476-6C>G (NM_001281493.2); c.237+7451C>G (NM_001281492.2); c.-642-6C>G (NM_001281494.2).
Identifiers: ClinVar variation 628423 (VCV000628423.15), dbSNP rs1558651835, ClinGen allele CA913187984.
Genomic context (GRCh38, chr2:47,790,921, plus strand): 5'-AGGTAACTGCCTTTAAGGAAACTTGACCAAATATTAACTAAGTTATGTATTTCCTTTTGG[C>G]AACAGTTGTGACTTCTCACCAGGAGATTTGGTTTGGGCCAAGATGGAGGGTTACCCCTGG-3'